The following is an entry in ClinVar:

NM_139318.5(KCNH5):c.854G>A (p.Arg285Lys)

Gene: KCNH5 (potassium voltage-gated channel subfamily H member 5; minus strand). Cytogenetic location: 14q23.2.
Variant type: single nucleotide variant.
Coding change: c.854G>A on transcript NM_139318.5 (MANE Select); coding-DNA position 854, G replaced by A.
Protein change: p.Arg285Lys; replaces arginine 285 with lysine.
Molecular consequence: missense variant.
Genome position (GRCh38, 1-based): chr14:62,980,960, C>T on the plus strand (G>A on the coding strand, the complement: KCNH5 is on the minus strand). VCF-style: chr14-62980960-C-T. GRCh37 (hg19) VCF-style: chr14-63447678-C-T.
Other names: c.854G>A, p.Arg285Lys (NM_172375.3); short protein forms R285K.
Identifiers: ClinVar variation 2853341 (VCV002853341.3), dbSNP rs2503044444, ClinGen allele CA390103992.

ClinVar aggregate classification (germline): Uncertain significance (1 of 4 stars; one submission).

Conditions:
Early-infantile DEE. Also called: Ohtahara syndrome; Early infantile epileptic encephalopathy with suppression bursts; Early infantile epileptic encephalopathy. Identifiers: Orphanet 1934, MedGen C0393706, MONDO:0800491.

Submission:

Labcorp Genetics (formerly Invitae), Labcorp
Classification: Uncertain significance for Early-infantile DEE. Last evaluated: 2023-04-07. Review status: criteria provided, single submitter. Criteria: Invitae Variant Classification Sherloc (09022015). Collection method: clinical testing. Allele origin: germline.
Comment: In summary, the available evidence is currently insufficient to determine the role of this variant in disease. Therefore, it has been classified as a Variant of Uncertain Significance. Advanced modeling of protein sequence and biophysical properties (such as structural, functional, and spatial information, amino acid conservation, physicochemical variation, residue mobility, and thermodynamic stability) performed at Invitae indicates that this missense variant is not expected to disrupt KCNH5 protein function. This variant has not been reported in the literature in individuals affected with KCNH5-related conditions. This variant is not present in population databases (gnomAD no frequency). This sequence change replaces arginine, which is basic and polar, with lysine, which is basic and polar, at codon 285 of the KCNH5 protein (p.Arg285Lys).